The following is an entry in ClinVar:

NM_001163735.2(MYO19):c.2502T>C (p.Gly834=)

Genes: MYO19 (myosin XIX; minus strand), ZNHIT3 (zinc finger HIT-type containing 3; plus strand). Cytogenetic location: 17q12.
Variant type: single nucleotide variant.
Coding change: c.2502T>C on transcript NM_001163735.2 (MANE Select); coding-DNA position 2502, T replaced by C.
Protein change: p.Gly834=; no amino-acid change (glycine 834 retained).
Molecular consequence: synonymous variant. On other transcripts: 3 prime UTR variant (1), non-coding transcript variant (1).
Genome position (GRCh38, 1-based): chr17:36,498,521, A>G on the plus strand (T>C on the coding strand, the complement: MYO19 is on the minus strand). VCF-style: chr17-36498521-A-G. GRCh37 (hg19) VCF-style: chr17-34854365-A-G.
Other names: c.1902T>C, p.Gly634= (NM_025109.6); c.*755A>G (NM_001281432.2).
Identifiers: ClinVar variation 4821203 (VCV004821203.4).
Genomic context (GRCh38, chr17:36,498,521, plus strand): 5'-GGTCTGCAGCGGCGAGGTGCTCAGGGAACAGGGAGCTTGAGAGAAGTGTTTTTCTTCCAC[A>G]CCATCCAGCTCTTTAGCAGCAAGGCAGGCCATTCTGATCTTAAAAAGCAAATATCCCTTT-3'
Protein context (NP_001157207.1, residues 824-844): MACLAAKELD[Gly834=]VEEKHFSQAP

ClinVar aggregate classification (germline): Likely benign (1 of 4 stars; one submission).

gnomAD v4.1: 25 of 1,613,750 alleles (0.0015%); highest among the groups gnomAD compares: Non-Finnish European, 0.0021%; no homozygotes.

Submission:

CeGaT Center for Human Genetics Tuebingen
Classification: Likely benign. Last evaluated: 2026-03-01. Review status: criteria provided, single submitter. Criteria: CeGaT Center For Human Genetics Tuebingen Variant Classification Criteria Version 2. Collection method: clinical testing. Allele origin: germline. Affected: yes. Observed: 1 variant allele.
Comment: MYO19: BP4, BP7